The following is an entry in ClinVar:

ClinVar aggregate classification (germline): Uncertain significance (1 of 4 stars; one submission).

gnomAD v4.1: 3 of 1,612,936 alleles (0.00019%); highest among the groups gnomAD compares: Admixed American, 0.0017%; no homozygotes.

Submission:

Labcorp Genetics (formerly Invitae), Labcorp
Classification: Uncertain significance. Last evaluated: 2024-02-21. Review status: criteria provided, single submitter. Criteria: Invitae Variant Classification Sherloc (09022015). Collection method: clinical testing. Allele origin: germline.
Comment: This sequence change replaces histidine, which is basic and polar, with arginine, which is basic and polar, at codon 613 of the KCNQ5 protein (p.His613Arg). This variant is present in population databases (no rsID available, gnomAD 0.003%). This variant has not been reported in the literature in individuals affected with KCNQ5-related conditions. Advanced modeling of protein sequence and biophysical properties (such as structural, functional, and spatial information, amino acid conservation, physicochemical variation, residue mobility, and thermodynamic stability) performed at Invitae indicates that this missense variant is not expected to disrupt KCNQ5 protein function with a negative predictive value of 80%. In summary, the available evidence is currently insufficient to determine the role of this variant in disease. Therefore, it has been classified as a Variant of Uncertain Significance.

NM_019842.4(KCNQ5):c.1781A>G (p.His594Arg)

Gene: KCNQ5 (potassium voltage-gated channel subfamily Q member 5; plus strand). Cytogenetic location: 6q13.
Variant type: single nucleotide variant.
Coding change: c.1781A>G on transcript NM_019842.4 (MANE Select); coding-DNA position 1781, A replaced by G.
Protein change: p.His594Arg; replaces histidine 594 with arginine.
Molecular consequence: missense variant.
Genome position (GRCh38, 1-based): chr6:73,192,636, A>G. VCF-style: chr6-73192636-A-G. GRCh37 (hg19) VCF-style: chr6-73902359-A-G.
Other names: c.1451A>G, p.His484Arg (NM_001160134.2); c.1754A>G, p.His585Arg (NM_001160130.2); c.1811A>G, p.His604Arg (NM_001160132.2); c.1838A>G, p.His613Arg (NM_001160133.2); short protein forms H484R, H594R, H604R, H585R, H613R.
Identifiers: ClinVar variation 3642369 (VCV003642369.2).